The following is an entry in ClinVar:

ClinVar aggregate classification (germline): Likely pathogenic (1 of 4 stars; one submission).

Conditions:
Hereditary factor VIII deficiency disease (HEMA). Also called: AUTOSOMAL HEMOPHILIA A; Hemophilia A; HEMOPHILIA, CLASSIC; Hemophilia A, congenital; HEM A; Factor 8 deficiency, congenital. Identifiers: Orphanet 98878, MedGen C0019069, MONDO:0010602, OMIM 306700.

Submission:

ARUP Laboratories, Molecular Genetics and Genomics, ARUP Laboratories
Classification: Likely pathogenic for Hereditary factor VIII deficiency disease. Last evaluated: 2019-04-11. Review status: criteria provided, single submitter. Criteria: ARUP Molecular Germline Variant Investigation Process. Collection method: clinical testing. Allele origin: germline.
Comment: The F8 c.1444-3C>G variant is reported in the literature in an individual affected with severe hemophilia A (Djambas Khayat 2008). This variant is absent from general population databases (Exome Variant Server, Genome Aggregation Database), indicating it is not a common polymorphism. This is an intronic variant in a highly conserved nucleotide, and computational analyses (Alamut v.2.11) predict that this variant may impact splicing by weakening the nearby canonical acceptor splice site. Indeed, RNA analyses indicated skipping of exon 10 in transcripts from an affected individual with this variant (Djambas Khayat 2008). Based on available information, this variant is considered to be likely pathogenic. References: Djambas Khayat C et al. Molecular analysis of F8 in Lebanese haemophilia A patients: novel mutations and phenotype-genotype correlation. Haemophilia. 2008 Jul;14(4):709-16.

NM_000132.4(F8):c.1444-3C>G

Gene: F8 (coagulation factor VIII; minus strand). Cytogenetic location: Xq28.
Variant type: single nucleotide variant.
Coding change: c.1444-3C>G on transcript NM_000132.4 (MANE Select); 3 bases into the intron before coding-DNA position 1444, C replaced by G.
Molecular consequence: intron variant.
Genome position (GRCh38, 1-based): chrX:154,961,171, G>C on the plus strand (C>G on the coding strand, the complement: F8 is on the minus strand). VCF-style: chrX-154961171-G-C. GRCh37 (hg19) VCF-style: chrX-154189446-G-C.
Identifiers: ClinVar variation 811361 (VCV000811361.8), dbSNP rs1603435027, ClinGen allele CA915952189.